The following is an entry in ClinVar:

NM_004453.4(ETFDH):c.1157G>A (p.Gly386Asp)

Gene: ETFDH (electron transfer flavoprotein dehydrogenase; plus strand). Cytogenetic location: 4q32.1.
Variant type: single nucleotide variant.
Coding change: c.1157G>A on transcript NM_004453.4 (MANE Select); coding-DNA position 1157, G replaced by A.
Protein change: p.Gly386Asp; replaces glycine 386 with aspartic acid.
Molecular consequence: missense variant.
Genome position (GRCh38, 1-based): chr4:158,703,463, G>A. VCF-style: chr4-158703463-G-A. GRCh37 (hg19) VCF-style: chr4-159624615-G-A.
Other names: c.1016G>A, p.Gly339Asp (NM_001281737.2); c.974G>A, p.Gly325Asp (NM_001281738.1); short protein forms G325D, G339D, G386D.
Identifiers: ClinVar variation 3907414 (VCV003907414.1).

ClinVar aggregate classification (germline): Uncertain significance (1 of 4 stars; one submission).

Submission:

Women's Health and Genetics/Laboratory Corporation of America, LabCorp
Classification: Uncertain significance. Last evaluated: 2025-06-03. Review status: criteria provided, single submitter. Criteria: LabCorp Variant Classification Summary - May 2015. Collection method: clinical testing. Allele origin: germline.
Comment: Variant summary: ETFDH c.1157G>A (p.Gly386Asp) results in a non-conservative amino acid change in the encoded protein sequence. Algorithms developed to predict the effect of missense changes on protein structure and function all suggest that this variant is likely to be disruptive. The variant was absent in 251308 control chromosomes. c.1157G>A has been observed as compound heterozygous genotype in individuals affected with Glutaric Aciduria, Type 2c (Fan_2018, Liu_2024). These data indicate that the variant may be associated with disease. To our knowledge, no experimental evidence demonstrating an impact on protein function has been reported. The following publications have been ascertained in the context of this evaluation (PMID: 29988809, 38401771). No submitters have cited clinical-significance assessments for this variant to ClinVar. Based on the evidence outlined above, the variant was classified as VUS-possibly pathogenic.

Literature cited by the submitters: PubMed 29988809; PubMed 38401771.